The following is an entry in ClinVar:

ClinVar aggregate classification (germline): Likely pathogenic (1 of 4 stars; one submission).

Conditions:
Sulfite oxidase deficiency due to molybdenum cofactor deficiency type A. Also called: Molybdenum Cofactor Deficiency A; Molybdenum cofactor deficiency, complementation group A. Identifiers: Orphanet 308386, Orphanet 833, MedGen C1854988, MONDO:0009643, OMIM 252150.

Submission:

3billion
Classification: Likely pathogenic for Sulfite oxidase deficiency due to molybdenum cofactor deficiency type A. Last evaluated: 2024-10-10. Review status: criteria provided, single submitter. Criteria: ACMG Guidelines, 2015. Collection method: clinical testing. Allele origin: germline. Affected: yes.
Comment: The variant is not observed in the gnomAD v4.1.0 dataset. Predicted Consequence/Location: Frameshift: predicted to result in a loss or disruption of normal protein function through protein truncation. The predicted truncated protein may be shortened by more than 10%. Therefore, this variant is classified as Likely pathogenic according to the recommendation of ACMG/AMP guideline.

NM_001358530.2(MOCS1):c.1625del (p.Gln542fs)

Gene: MOCS1 (molybdenum cofactor synthesis 1; minus strand). Cytogenetic location: 6p21.2.
Variant type: Deletion.
Coding change: c.1625del on transcript NM_001358530.2 (MANE Select); coding-DNA position 1625, one base deleted (A; older notation c.1625delA).
Protein change: p.Gln542fs; shifts the reading frame from glutamine 542.
Molecular consequence: frameshift variant. On other transcripts: 3 prime UTR variant (4), non-coding transcript variant (1).
Genome position (GRCh38, 1-based): chr6:39,906,643, T deleted on the plus strand (A on the coding strand, the reverse complement: MOCS1 is on the minus strand). VCF-style (leftmost placement, unchanged base first): chr6-39906642-CT-C. GRCh37 (hg19) VCF-style: chr6-39874418-CT-C.
Other names: c.*482del (NM_001075098.4, NM_001358533.2, NM_001358534.2 and 1 more transcripts); c.1577del, p.Gln526fs (NM_001358529.2); c.1364del, p.Gln455fs (NM_001358531.2); short protein forms Q455fs, Q526fs, Q542fs.
Identifiers: ClinVar variation 4292567 (VCV004292567.1).